The following is an entry in ClinVar:

NM_001079802.2(FKTN):c.1322C>T (p.Pro441Leu)

Gene: FKTN (fukutin; plus strand). Cytogenetic location: 9q31.2.
Variant type: single nucleotide variant.
Coding change: c.1322C>T on transcript NM_001079802.2 (MANE Select); coding-DNA position 1322, C replaced by T.
Protein change: p.Pro441Leu; replaces proline 441 with leucine.
Molecular consequence: missense variant. On other transcripts: 3 prime UTR variant (1), non-coding transcript variant (2), intron variant (1).
Genome position (GRCh38, 1-based): chr9:105,635,200, C>T. VCF-style: chr9-105635200-C-T. GRCh37 (hg19) VCF-style: chr9-108397481-C-T.
Other names: c.1322C>T, p.Pro441Leu (NM_001351496.2, NM_006731.2); c.1253C>T, p.Pro418Leu (NM_001351497.2); c.*114C>T (NM_001351498.2); c.926C>T, p.Pro309Leu (NM_001351499.2, NM_001351500.2, NM_001351501.2 and 1 more transcripts); c.1270+52C>T (NM_001198963.2); short protein forms P418L, P309L, P441L.
Identifiers: ClinVar variation 4257882 (VCV004257882.1).
Genomic context (GRCh38, chr9:105,635,200, plus strand): 5'-CCAACTATGGTAAGACCTGGAAGATTCCTGTAAAGACGTGGGACTGGAAGCGCTCTCCTC[C>T]CAATGTGCAACCCAATGGAATCTGGCCTATTTCTGAGTGGGATGAGGTTATCCAGTTATA-3'
Protein context (NP_001073270.1, residues 431-451): VKTWDWKRSP[Pro441Leu]NVQPNGIWPI

ClinVar aggregate classification (germline): Uncertain significance (1 of 4 stars; one submission).

Conditions:
Cardiovascular phenotype. Identifiers: MedGen CN230736.

gnomAD v4.1: 1 of 1,614,176 alleles (0.000062%); highest among the groups gnomAD compares: Non-Finnish European, 0.000085%; no homozygotes.

Submission:

Ambry Genetics
Classification: Uncertain significance for Cardiovascular phenotype. Last evaluated: 2025-08-09. Review status: criteria provided, single submitter. Criteria: Ambry Variant Classification Scheme 2023. Collection method: clinical testing. Allele origin: germline.
Comment: The p.P441L variant (also known as c.1322C>T), located in coding exon 9 of the FKTN gene, results from a C to T substitution at nucleotide position 1322. The proline at codon 441 is replaced by leucine, an amino acid with similar properties. This amino acid position is conserved. In addition, this alteration is predicted to be tolerated by in silico analysis. Based on the available evidence, the clinical significance of this variant remains unclear.